The following is an entry in ClinVar:

ClinVar aggregate classification (germline): Uncertain significance. Review status: criteria provided, multiple submitters, no conflicts (2 of 4 stars). 3 submissions from 3 submitters: Uncertain significance (3). Last evaluated 2025-07-14.

Conditions:
Inborn genetic diseases. Identifiers: MedGen C0950123, MeSH D030342.

Allele frequency attached by ClinVar (database versions not stated): gnomAD 0.00001; gnomAD exomes 0.00001; TOPMed 0.00002.
gnomAD v4.1: 18 of 1,351,292 alleles (0.0013%); highest among the groups gnomAD compares: Admixed American, 0.016%; no homozygotes.

Submissions (3):

Ambry Genetics
Classification: Uncertain significance for Inborn genetic diseases. Last evaluated: 2025-07-14. Review status: criteria provided, single submitter. Criteria: Ambry Variant Classification Scheme 2023. Collection method: clinical testing. Allele origin: germline.

Labcorp Genetics (formerly Invitae), Labcorp
Classification: Uncertain significance. Last evaluated: 2025-03-12. Review status: criteria provided, single submitter. Criteria: Invitae Variant Classification Sherloc (09022015). Collection method: clinical testing. Allele origin: germline.
Comment: This sequence change replaces tryptophan, which is neutral and slightly polar, with cysteine, which is neutral and slightly polar, at codon 337 of the ARID1A protein (p.Trp337Cys). This variant is not present in population databases (gnomAD no frequency). This variant has not been reported in the literature in individuals affected with ARID1A-related conditions. ClinVar contains an entry for this variant (Variation ID: 2179477). Invitae Evidence Modeling of protein sequence and biophysical properties (such as structural, functional, and spatial information, amino acid conservation, physicochemical variation, residue mobility, and thermodynamic stability) indicates that this missense variant is not expected to disrupt ARID1A protein function with a negative predictive value of 95%. In summary, the available evidence is currently insufficient to determine the role of this variant in disease. Therefore, it has been classified as a Variant of Uncertain Significance.

Women's Health and Genetics/Laboratory Corporation of America, LabCorp
Classification: Uncertain significance. Last evaluated: 2024-12-04. Review status: criteria provided, single submitter. Criteria: LabCorp Variant Classification Summary - May 2015. Collection method: clinical testing. Allele origin: germline.
Comment: Variant summary: ARID1A c.1011G>T (p.Trp337Cys) results in a non-conservative amino acid change in the encoded protein sequence. Three of five in-silico tools predict a benign effect of the variant on protein function. The frequency data for this variant in gnomAD is considered unreliable, as metrics indicate poor data quality at this position. To our knowledge, no occurrence of c.1011G>T in individuals affected with Mental Retardation, Autosomal Dominant 14 and no experimental evidence demonstrating its impact on protein function have been reported. ClinVar contains an entry for this variant (Variation ID: 2179477). Based on the evidence outlined above, the variant was classified as uncertain significance.

NM_006015.6(ARID1A):c.1011G>T (p.Trp337Cys)

Genes: ARID1A (AT-rich interaction domain 1A; plus strand), LOC129929837 (ATAC-STARR-seq lymphoblastoid silent region 489; plus strand). Cytogenetic location: 1p36.11.
Variant type: single nucleotide variant.
Coding change: c.1011G>T on transcript NM_006015.6 (MANE Select); coding-DNA position 1011, G replaced by T.
Protein change: p.Trp337Cys; replaces tryptophan 337 with cysteine.
Molecular consequence: missense variant.
Genome position (GRCh38, 1-based): chr1:26,697,414, G>T. VCF-style: chr1-26697414-G-T. GRCh37 (hg19) VCF-style: chr1-27023905-G-T.
Other names: c.1011G>T, p.Trp337Cys (NM_139135.4); short protein forms W337C.
Identifiers: ClinVar variation 2179477 (VCV002179477.8), dbSNP rs1323360268, ClinGen allele CA339267001.